The following is an entry in ClinVar:

NM_000051.4(ATM):c.2054A>T (p.Asn685Ile)

Gene: ATM (ATM serine/threonine kinase; plus strand). Cytogenetic location: 11q22.3.
Variant type: single nucleotide variant.
Coding change: c.2054A>T on transcript NM_000051.4 (MANE Select); coding-DNA position 2054, A replaced by T.
Protein change: p.Asn685Ile; replaces asparagine 685 with isoleucine.
Molecular consequence: missense variant.
Genome position (GRCh38, 1-based): chr11:108,253,969, A>T. VCF-style: chr11-108253969-A-T. GRCh37 (hg19) VCF-style: chr11-108124696-A-T.
Other names: c.2054A>T, p.Asn685Ile (NM_001351834.2); short protein forms N685I.
Identifiers: ClinVar variation 482580 (VCV000482580.16), dbSNP rs1412443702, ClinGen allele CA382537464.
Genomic context (GRCh38, chr11:108,253,969, plus strand): 5'-TTGTGAGAGAATGTGGTATAGAAAAGCACCAGTCCAGTATTGGCTTCTCTGTCCACCAGA[A>T]TCTCAAGGAATCACTGGATCGCTGTCTTCTGGGATTATCAGAACAGCTTCTGAATAATTA-3'
Protein context (NP_000042.3, residues 675-695): QSSIGFSVHQ[Asn685Ile]LKESLDRCLL

ClinVar aggregate classification (germline): Uncertain significance. Review status: criteria provided, multiple submitters, no conflicts (2 of 4 stars). 3 submissions from 3 submitters: Uncertain significance (3). Last evaluated 2025-04-17.

Conditions:
Hereditary cancer-predisposing syndrome. Also called: Hereditary neoplastic syndrome; Neoplastic Syndromes, Hereditary; Tumor predisposition; Hereditary Cancer Syndrome. Identifiers: Orphanet 140162, MedGen C0027672, MeSH D009386, MONDO:0015356.
Ataxia-telangiectasia syndrome (AT). Also called: LOUIS-BAR SYNDROME; Cerebello-oculocutaneous telangiectasia; Immunodeficiency with ataxia telangiectasia; AT, COMPLEMENTATION GROUP C; Ataxia-telangiectasia, complementation group D; ATAXIA-TELANGIECTASIA, COMPLEMENTATION GROUP A. Identifiers: Orphanet 100, MedGen C0004135, MONDO:0008840, OMIM 208900.

Allele frequency attached by ClinVar (database versions not stated): gnomAD exomes below 0.00001.
gnomAD v4.1: 1 of 1,614,134 alleles (0.000062%); highest among the groups gnomAD compares: Admixed American, 0.0017%; no homozygotes.

Submissions (3):

Ambry Genetics
Classification: Uncertain significance for Hereditary cancer-predisposing syndrome. Last evaluated: 2025-04-17. Review status: criteria provided, single submitter. Criteria: Ambry Variant Classification Scheme 2023. Collection method: clinical testing. Allele origin: germline.
Comment: The p.N685I variant (also known as c.2054A>T), located in coding exon 12 of the ATM gene, results from an A to T substitution at nucleotide position 2054. The asparagine at codon 685 is replaced by isoleucine, an amino acid with dissimilar properties. This amino acid position is well conserved in available vertebrate species. In addition, this alteration is predicted to be tolerated by in silico analysis. Based on the available evidence, the clinical significance of this variant remains unclear.

Labcorp Genetics (formerly Invitae), Labcorp
Classification: Uncertain significance for Ataxia-telangiectasia syndrome. Last evaluated: 2024-11-03. Review status: criteria provided, single submitter. Criteria: Invitae Variant Classification Sherloc (09022015). Collection method: clinical testing. Allele origin: germline.
Comment: This sequence change replaces asparagine, which is neutral and polar, with isoleucine, which is neutral and non-polar, at codon 685 of the ATM protein (p.Asn685Ile). This variant is present in population databases (no rsID available, gnomAD 0.003%). This variant has not been reported in the literature in individuals affected with ATM-related conditions. ClinVar contains an entry for this variant (Variation ID: 482580). Invitae Evidence Modeling of protein sequence and biophysical properties (such as structural, functional, and spatial information, amino acid conservation, physicochemical variation, residue mobility, and thermodynamic stability) indicates that this missense variant is not expected to disrupt ATM protein function with a negative predictive value of 95%. In summary, the available evidence is currently insufficient to determine the role of this variant in disease. Therefore, it has been classified as a Variant of Uncertain Significance.

Quest Diagnostics Nichols Institute San Juan Capistrano
Classification: Uncertain significance. Last evaluated: 2024-02-01. Review status: criteria provided, single submitter. Criteria: Quest Diagnostics criteria. Collection method: clinical testing. Allele origin: unknown.